The following is an entry in ClinVar:

NM_006947.4(SRP72):c.998A>G (p.Gln333Arg)

Gene: SRP72 (signal recognition particle 72; plus strand). Cytogenetic location: 4q12.
Variant type: single nucleotide variant.
Coding change: c.998A>G on transcript NM_006947.4 (MANE Select); coding-DNA position 998, A replaced by G.
Protein change: p.Gln333Arg; replaces glutamine 333 with arginine.
Molecular consequence: missense variant. On other transcripts: non-coding transcript variant (1).
Genome position (GRCh38, 1-based): chr4:56,484,776, A>G. VCF-style: chr4-56484776-A-G. GRCh37 (hg19) VCF-style: chr4-57350942-A-G.
Other names: c.815A>G, p.Gln272Arg (NM_001267722.2); short protein forms Q272R, Q333R.
Identifiers: ClinVar variation 3962025 (VCV003962025.2).

ClinVar aggregate classification (germline): Uncertain significance. Review status: criteria provided, multiple submitters, no conflicts (2 of 4 stars). 2 submissions from 2 submitters: Uncertain significance (2). Last evaluated 2025-09-14.

Submissions (2):

Labcorp Genetics (formerly Invitae), Labcorp
Classification: Uncertain significance. Last evaluated: 2025-09-14. Review status: criteria provided, single submitter. Criteria: Invitae Variant Classification Sherloc (09022015). Collection method: clinical testing. Allele origin: germline.
Comment: This sequence change replaces glutamine, which is neutral and polar, with arginine, which is basic and polar, at codon 333 of the SRP72 protein (p.Gln333Arg). This variant is present in population databases (rs755882056, gnomAD 0.003%). This variant has not been reported in the literature in individuals affected with SRP72-related conditions. ClinVar contains an entry for this variant (Variation ID: 3962025). Invitae Evidence Modeling of protein sequence and biophysical properties (such as structural, functional, and spatial information, amino acid conservation, physicochemical variation, residue mobility, and thermodynamic stability) indicates that this missense variant is not expected to disrupt SRP72 protein function with a negative predictive value of 80%. In summary, the available evidence is currently insufficient to determine the role of this variant in disease. Therefore, it has been classified as a Variant of Uncertain Significance.

Ambry Genetics
Classification: Uncertain significance. Last evaluated: 2025-03-17. Review status: criteria provided, single submitter. Criteria: Ambry Variant Classification Scheme 2023. Collection method: clinical testing. Allele origin: germline.
Comment: The p.Q333R variant (also known as c.998A>G), located in coding exon 10 of the SRP72 gene, results from an A to G substitution at nucleotide position 998. The glutamine at codon 333 is replaced by arginine, an amino acid with highly similar properties. This amino acid position is conserved. In addition, the in silico prediction for this alteration is inconclusive. Based on the available evidence, the clinical significance of this variant remains unclear.